The following is an entry in ClinVar:

ClinVar aggregate classification (germline): Pathogenic (1 of 4 stars; one submission).

Conditions:
Rienhoff syndrome. Also called: LOEYS-DIETZ SYNDROME 5. Identifiers: MedGen C3810012, MONDO:0014262, OMIM 615582.

Submission:

Labcorp Genetics (formerly Invitae), Labcorp
Classification: Pathogenic for Rienhoff syndrome. Last evaluated: 2023-05-22. Review status: criteria provided, single submitter. Criteria: Invitae Variant Classification Sherloc (09022015). Collection method: clinical testing. Allele origin: germline.
Comment: For these reasons, this variant has been classified as Pathogenic. ClinVar contains an entry for this variant (Variation ID: 1451952). This variant has not been reported in the literature in individuals affected with TGFB3-related conditions. This variant is not present in population databases (gnomAD no frequency). This sequence change creates a premature translational stop signal (p.Glu119Asnfs*95) in the TGFB3 gene. It is expected to result in an absent or disrupted protein product. Loss-of-function variants in TGFB3 are known to be pathogenic (PMID: 25835445, 26188975).

Literature cited by the submitters: PubMed 25835445; PubMed 26188975.

NM_003239.5(TGFB3):c.355del (p.Glu119fs)

Gene: TGFB3 (transforming growth factor beta 3; minus strand). Cytogenetic location: 14q24.3.
Variant type: Deletion.
Coding change: c.355del on transcript NM_003239.5 (MANE Select); coding-DNA position 355, one base deleted (G; older notation c.355delG).
Protein change: p.Glu119fs; shifts the reading frame from glutamic acid 119.
Molecular consequence: frameshift variant.
Genome position (GRCh38, 1-based): chr14:75,971,716, C deleted on the plus strand (G on the coding strand, the reverse complement: TGFB3 is on the minus strand). VCF-style (leftmost placement, unchanged base first): chr14-75971715-TC-T. GRCh37 (hg19) VCF-style: chr14-76438058-TC-T.
Other names: c.355del, p.Glu119fs (NM_001329938.2, NM_001329939.2); short protein forms E119fs.
Identifiers: ClinVar variation 1451952 (VCV001451952.6), dbSNP rs2140246004, ClinGen allele CA2573150228.